The following is an entry in ClinVar:

ClinVar aggregate classification (germline): Likely pathogenic (1 of 4 stars; one submission).

Conditions:
Muscular dystrophy-dystroglycanopathy (congenital with brain and eye anomalies), type A2. Also called: MUSCULAR DYSTROPHY-DYSTROGLYCANOPATHY (CONGENITAL WITH BRAIN AND EYE ANOMALIES), TYPE A, 2; WALKER-WARBURG SYNDROME OR MUSCLE-EYE-BRAIN DISEASE, POMT2-RELATED. Identifiers: Orphanet 588, Orphanet 899, MedGen C3150411, MONDO:0013154, OMIM 613150.
Autosomal recessive limb-girdle muscular dystrophy type 2N. Also called: MUSCULAR DYSTROPHY-DYSTROGLYCANOPATHY, LIMB-GIRDLE, POMT2-RELATED; Muscular dystrophy-dystroglycanopathy (limb-girdle), type C, 2. Identifiers: Orphanet 206559, MedGen C3150418, MONDO:0013162, OMIM 613158.
Muscular dystrophy-dystroglycanopathy (congenital with impaired intellectual development), type B, 2. Also called: Muscular dystrophy-dystroglycanopathy (congenital with intellectual disability), type B2; MUSCULAR DYSTROPHY, CONGENITAL, POMT2-RELATED. Identifiers: MedGen C3150416, MONDO:0013160, OMIM 613156.

Submission:

Labcorp Genetics (formerly Invitae), Labcorp
Classification: Likely pathogenic for Muscular dystrophy-dystroglycanopathy (congenital with impaired intellectual development), type B, 2; Muscular dystrophy-dystroglycanopathy (congenital with brain and eye anomalies), type A2; Autosomal recessive limb-girdle muscular dystrophy type 2N. Last evaluated: 2022-01-04. Review status: criteria provided, single submitter. Criteria: Invitae Variant Classification Sherloc (09022015). Collection method: clinical testing. Allele origin: germline.
Comment: In summary, the currently available evidence indicates that the variant is pathogenic, but additional data are needed to prove that conclusively. Therefore, this variant has been classified as Likely Pathogenic. Algorithms developed to predict the effect of sequence changes on RNA splicing suggest that this variant may disrupt the consensus splice site. This variant has not been reported in the literature in individuals affected with POMT2-related conditions. This variant is not present in population databases (gnomAD no frequency). This sequence change affects an acceptor splice site in intron 15 of the POMT2 gene. It is expected to disrupt RNA splicing. Variants that disrupt the donor or acceptor splice site typically lead to a loss of protein function (PMID: 16199547), and loss-of-function variants in POMT2 are known to be pathogenic (PMID: 15894594).

Literature cited by the submitters: PubMed 16199547; PubMed 15894594.

NM_013382.7(POMT2):c.1654-2A>T

Gene: POMT2 (protein O-mannosyltransferase 2; minus strand). Cytogenetic location: 14q24.3.
Variant type: single nucleotide variant.
Coding change: c.1654-2A>T on transcript NM_013382.7 (MANE Select); the canonical splice acceptor site of the intron before coding-DNA position 1654, A replaced by T.
Molecular consequence: splice acceptor variant.
Genome position (GRCh38, 1-based): chr14:77,280,465, T>A on the plus strand (A>T on the coding strand, the complement: POMT2 is on the minus strand). VCF-style: chr14-77280465-T-A. GRCh37 (hg19) VCF-style: chr14-77746808-T-A.
Identifiers: ClinVar variation 2073520 (VCV002073520.4), dbSNP rs2503171526, ClinGen allele CA390515676.